The following is an entry in ClinVar:

ClinVar aggregate classification (germline): Conflicting classifications of pathogenicity. Review status: criteria provided, conflicting classifications (1 of 4 stars). 2 submissions from 2 submitters: Uncertain significance (1); Likely benign (1). Last evaluated 2025-08-30.

Conditions:
Hajdu-Cheney syndrome (HJCYS). Also called: SERPENTINE FIBULA-POLYCYSTIC KIDNEY SYNDROME; Acroosteolysis dominant type; ACROOSTEOLYSIS WITH OSTEOPOROSIS AND CHANGES IN SKULL AND MANDIBLE. Identifiers: Orphanet 955, MedGen C0917715, MONDO:0007057, OMIM 102500.
Inborn genetic diseases. Identifiers: MedGen C0950123, MeSH D030342.

Allele frequency attached by ClinVar (database versions not stated): TOPMed below 0.00001; ExAC 0.00004.
gnomAD v4.1: 8 of 1,614,140 alleles (0.0005%); highest among the groups gnomAD compares: Middle Eastern, 0.017%; no homozygotes.

Submissions (2):

Ambry Genetics
Classification: Likely benign for Inborn genetic diseases. Last evaluated: 2025-08-30. Review status: criteria provided, single submitter. Criteria: Ambry Variant Classification Scheme 2023. Collection method: clinical testing. Allele origin: germline.

Labcorp Genetics (formerly Invitae), Labcorp
Classification: Uncertain significance for Hajdu-Cheney syndrome. Last evaluated: 2024-01-08. Review status: criteria provided, single submitter. Criteria: Invitae Variant Classification Sherloc (09022015). Collection method: clinical testing. Allele origin: germline.
Comment: This sequence change replaces lysine, which is basic and polar, with arginine, which is basic and polar, at codon 1725 of the NOTCH2 protein (p.Lys1725Arg). This variant is present in population databases (rs748310274, gnomAD 0.01%). This variant has not been reported in the literature in individuals affected with NOTCH2-related conditions. Advanced modeling of protein sequence and biophysical properties (such as structural, functional, and spatial information, amino acid conservation, physicochemical variation, residue mobility, and thermodynamic stability) performed at Invitae indicates that this missense variant is not expected to disrupt NOTCH2 protein function with a negative predictive value of 80%. In summary, the available evidence is currently insufficient to determine the role of this variant in disease. Therefore, it has been classified as a Variant of Uncertain Significance.

NM_024408.4(NOTCH2):c.5174A>G (p.Lys1725Arg)

Gene: NOTCH2 (notch receptor 2; minus strand). Cytogenetic location: 1p12.
Variant type: single nucleotide variant.
Coding change: c.5174A>G on transcript NM_024408.4 (MANE Select); coding-DNA position 5174, A replaced by G.
Protein change: p.Lys1725Arg; replaces lysine 1725 with arginine.
Molecular consequence: missense variant.
Genome position (GRCh38, 1-based): chr1:119,922,275, T>C on the plus strand (A>G on the coding strand, the complement: NOTCH2 is on the minus strand). VCF-style: chr1-119922275-T-C. GRCh37 (hg19) VCF-style: chr1-120464898-T-C.
Other names: c.5174A>G (NM_024408.3); short protein forms K1725R.
Identifiers: ClinVar variation 2917361 (VCV002917361.4), dbSNP rs748310274, ClinGen allele CA1039708.